The following is an entry in ClinVar:

NM_016222.4(DDX41):c.1349A>G (p.Glu450Gly)

Gene: DDX41 (DEAD-box helicase 41; minus strand). Cytogenetic location: 5q35.3.
Variant type: single nucleotide variant.
Coding change: c.1349A>G on transcript NM_016222.4 (MANE Select); coding-DNA position 1349, A replaced by G.
Protein change: p.Glu450Gly; replaces glutamic acid 450 with glycine.
Molecular consequence: missense variant.
Genome position (GRCh38, 1-based): chr5:177,512,830, T>C on the plus strand (A>G on the coding strand, the complement: DDX41 is on the minus strand). VCF-style: chr5-177512830-T-C. GRCh37 (hg19) VCF-style: chr5-176939831-T-C.
Other names: c.971A>G, p.Glu324Gly (NM_001321732.2, NM_001321830.2); short protein forms E324G, E450G.
Identifiers: ClinVar variation 4617184 (VCV004617184.1).

ClinVar aggregate classification (germline): Uncertain significance (1 of 4 stars; one submission).

Conditions:
Inborn genetic diseases. Identifiers: MedGen C0950123, MeSH D030342.

Submission:

Ambry Genetics
Classification: Uncertain significance for Inborn genetic diseases. Last evaluated: 2025-11-18. Review status: criteria provided, single submitter. Criteria: Ambry Variant Classification Scheme 2023. Collection method: clinical testing. Allele origin: germline.
Comment: The p.E450G variant (also known as c.1349A>G), located in coding exon 13 of the DDX41 gene, results from an A to G substitution at nucleotide position 1349. The glutamic acid at codon 450 is replaced by glycine, an amino acid with similar properties. This amino acid position is highly conserved in available vertebrate species. In addition, this alteration is predicted to be deleterious by in silico analysis. Based on the available evidence, the clinical significance of this variant remains unclear.